The following is an entry in ClinVar:

NM_170743.4(IFNLR1):c.92C>T (p.Thr31Met)

Gene: IFNLR1 (interferon lambda receptor 1; minus strand). Cytogenetic location: 1p36.11.
Variant type: single nucleotide variant.
Coding change: c.92C>T on transcript NM_170743.4 (MANE Select); coding-DNA position 92, C replaced by T.
Protein change: p.Thr31Met; replaces threonine 31 with methionine.
Molecular consequence: missense variant.
Genome position (GRCh38, 1-based): chr1:24,180,821, G>A on the plus strand (C>T on the coding strand, the complement: IFNLR1 is on the minus strand). VCF-style: chr1-24180821-G-A. GRCh37 (hg19) VCF-style: chr1-24507311-G-A.
Other names: c.92C>T, p.Thr31Met (NM_173064.3, NM_173065.3); short protein forms T31M.
Identifiers: ClinVar variation 3527847 (VCV003527847.2).

ClinVar aggregate classification (germline): Uncertain significance. Review status: criteria provided, multiple submitters, no conflicts (2 of 4 stars). 2 submissions from 2 submitters: Uncertain significance (2). Last evaluated 2025-01-28.

Conditions:
IFNLR1-related disorder. Also called: IFNLR1-related condition.

gnomAD v4.1: 27 of 1,613,800 alleles (0.0017%); highest among the groups gnomAD compares: African/African-American, 0.015%; no homozygotes.

Submissions (2):

PreventionGenetics, part of Exact Sciences
Classification: Uncertain significance for IFNLR1-related condition. Last evaluated: 2025-01-28. Review status: criteria provided, single submitter. Criteria: ACMG Guidelines, 2015. Collection method: clinical testing. Allele origin: germline.
Comment: The IFNLR1 c.92C>T variant is predicted to result in the amino acid substitution p.Thr31Met. To our knowledge, this variant has not been reported in the literature. This variant is reported in 0.012% of alleles in individuals of African descent in gnomAD. At this time, the clinical significance of this variant is uncertain due to the absence of conclusive functional and genetic evidence.

Ambry Genetics
Classification: Uncertain significance. Last evaluated: 2024-11-14. Review status: criteria provided, single submitter. Criteria: Ambry Variant Classification Scheme 2023. Collection method: clinical testing. Allele origin: germline.